The following is an entry in ClinVar:

ClinVar aggregate classification (germline): Uncertain significance (1 of 4 stars; one submission).

Conditions:
DICER1-related tumor predisposition. Also called: DICER1-related pleuropulmonary blastoma cancer predisposition syndrome; DICER1 syndrome. Identifiers: Orphanet 284343, MedGen C3839822, MONDO:0100216.

Submission:

Labcorp Genetics (formerly Invitae), Labcorp
Classification: Uncertain significance for DICER1-related tumor predisposition. Last evaluated: 2021-05-03. Review status: criteria provided, single submitter. Criteria: Invitae Variant Classification Sherloc (09022015). Collection method: clinical testing. Allele origin: germline.
Comment: In summary, the available evidence is currently insufficient to determine the role of this variant in disease. Therefore, it has been classified as a Variant of Uncertain Significance. Algorithms developed to predict the effect of missense changes on protein structure and function (SIFT, PolyPhen-2, Align-GVGD) all suggest that this variant is likely to be tolerated, but these predictions have not been confirmed by published functional studies and their clinical significance is uncertain. This variant has not been reported in the literature in individuals with DICER1-related conditions. This variant is not present in population databases (ExAC no frequency). This sequence change replaces lysine with arginine at codon 343 of the DICER1 protein (p.Lys343Arg). The lysine residue is highly conserved and there is a small physicochemical difference between lysine and arginine.

NM_177438.3(DICER1):c.1028A>G (p.Lys343Arg)

Gene: DICER1 (dicer 1, ribonuclease III; minus strand). Cytogenetic location: 14q32.13.
Variant type: single nucleotide variant.
Coding change: c.1028A>G on transcript NM_177438.3 (MANE Select); coding-DNA position 1028, A replaced by G.
Protein change: p.Lys343Arg; replaces lysine 343 with arginine.
Molecular consequence: missense variant.
Genome position (GRCh38, 1-based): chr14:95,124,544, T>C on the plus strand (A>G on the coding strand, the complement: DICER1 is on the minus strand). VCF-style: chr14-95124544-T-C. GRCh37 (hg19) VCF-style: chr14-95590881-T-C.
Other names: c.1028A>G, p.Lys343Arg (NM_001195573.1, NM_001271282.3, NM_001291628.2 and 1 more transcripts); short protein forms K343R.
Identifiers: ClinVar variation 1487904 (VCV001487904.9), dbSNP rs2140206546, ClinGen allele CA390887125.
Genomic context (GRCh38, chr14:95,124,544, plus strand): 5'-AAGTGCTCTTCACATAGTGCATGTATTTTCCTTAGGAAAGTGTCTGTAAACAATAAAAAT[T>C]TCCTGTGCAGCTCCTCTTGCTCATGTTTGATGTATTTCTGTAGTTCTCTTACCATCATTC-3'
Protein context (NP_803187.1, residues 333-353): IKHEQEELHR[Lys343Arg]FLLFTDTFLR